The following is an entry in ClinVar:

ClinVar aggregate classification (germline): Uncertain significance (1 of 4 stars; one submission).

Conditions:
Autosomal recessive limb-girdle muscular dystrophy type 2J (LGMDR10). Also called: Limb-girdle muscular dystrophy, type 2J; MUSCULAR DYSTROPHY, LIMB-GIRDLE, AUTOSOMAL RECESSIVE 10. Identifiers: Orphanet 140922, MedGen C1837342, MONDO:0012127, OMIM 608807.
Dilated cardiomyopathy 1G (CMD1G). Identifiers: Orphanet 154, MedGen C1858763, MONDO:0011400, OMIM 604145.

gnomAD v4.1: 1 of 1,602,956 alleles (0.000062%); highest among the groups gnomAD compares: Non-Finnish European, 0.000085%; no homozygotes.

Submission:

Labcorp Genetics (formerly Invitae), Labcorp
Classification: Uncertain significance for Dilated cardiomyopathy 1G; Autosomal recessive limb-girdle muscular dystrophy type 2J. Last evaluated: 2025-05-19. Review status: criteria provided, single submitter. Criteria: Invitae Variant Classification Sherloc (09022015). Collection method: clinical testing. Allele origin: germline.
Comment: This sequence change replaces proline, which is neutral and non-polar, with arginine, which is basic and polar, at codon 35741 of the TTN protein (p.Pro35741Arg). This variant is not present in population databases (gnomAD no frequency). This variant has not been reported in the literature in individuals affected with TTN-related conditions. Experimental studies and prediction algorithms are not available or were not evaluated, and the functional significance of this variant is currently unknown. This variant is located in the M band of TTN (PMID: 25589632). Non-truncating variants in this region may be relevant for neuromuscular disorders, but have not been definitively shown to cause cardiomyopathy (PMID: 23975875). In summary, the available evidence is currently insufficient to determine the role of this variant in disease. Therefore, it has been classified as a Variant of Uncertain Significance.

Literature cited by the submitters: PubMed 25589632; PubMed 23975875.

NM_001267550.2(TTN):c.107222C>G (p.Pro35741Arg)

Genes: TTN-AS1 (TTN antisense RNA 1; plus strand), TTN (titin; minus strand). Cytogenetic location: 2q31.2.
Variant type: single nucleotide variant.
Coding change: c.107222C>G on transcript NM_001267550.2 (MANE Select); coding-DNA position 107222, C replaced by G.
Protein change: p.Pro35741Arg; replaces proline 35741 with arginine.
Molecular consequence: missense variant.
Genome position (GRCh38, 1-based): chr2:178,528,529, G>C on the plus strand (C>G on the coding strand, the complement: TTN is on the minus strand). VCF-style: chr2-178528529-G-C. GRCh37 (hg19) VCF-style: chr2-179393256-G-C.
Other names: c.102299C>G, p.Pro34100Arg (NM_001256850.1); c.80027C>G, p.Pro26676Arg (NM_003319.4); c.99518C>G, p.Pro33173Arg (NM_133378.4); c.80402C>G, p.Pro26801Arg (NM_133432.3); c.80603C>G, p.Pro26868Arg (NM_133437.4); short protein forms P26801R, P26868R, P33173R, P26676R, P34100R, P35741R.
Identifiers: ClinVar variation 4789078 (VCV004789078.1).